The following is an entry in ClinVar:

NM_152419.3(HGSNAT):c.1312G>A (p.Ala438Thr)

Gene: HGSNAT (heparan-alpha-glucosaminide N-acetyltransferase; plus strand). Cytogenetic location: 8p11.21.
Variant type: single nucleotide variant.
Coding change: c.1312G>A on transcript NM_152419.3 (MANE Select); coding-DNA position 1312, G replaced by A.
Protein change: p.Ala438Thr; replaces alanine 438 with threonine.
Molecular consequence: missense variant.
Genome position (GRCh38, 1-based): chr8:43,192,365, G>A. VCF-style: chr8-43192365-G-A. GRCh37 (hg19) VCF-style: chr8-43047508-G-A.
Other names: c.1312G>A (NM_152419.2); c.1312G>A, p.Ala438Thr (NM_001363227.2); c.1120G>A, p.Ala374Thr (NM_001363228.2); c.448G>A, p.Ala150Thr (NM_001363229.2); short protein forms A438T, A374T, A150T.
Identifiers: ClinVar variation 2154589 (VCV002154589.4), dbSNP rs201901263, ClinGen allele CA4736840.

ClinVar aggregate classification (germline): Uncertain significance. Review status: criteria provided, multiple submitters, no conflicts (2 of 4 stars). 3 submissions from 3 submitters: Uncertain significance (3). Last evaluated 2025-06-24.

Conditions:
Retinal dystrophy. Also called: Inherited retinal dystrophy. Identifiers: Orphanet 71862, MedGen C0854723, MeSH D058499, MONDO:0019118, HP:0000556.
Mucopolysaccharidosis, MPS-III-C (MPS3C). Also called: SANFILIPPO SYNDROME C; MPS III C; mucopolysaccharidosis type 3C; MUCOPOLYSACCHARIDOSIS, TYPE IIIC; MPS IIIC (Sanfilippo Syndrome Type C); Mucopolysaccharidosis type IIIC (Sanfilippo C). Identifiers: Orphanet 581, Orphanet 79271, MedGen C0086649, MONDO:0009657, OMIM 252930.
Retinitis pigmentosa 73 (RP73). Identifiers: Orphanet 791, MedGen C4225287, MONDO:0014687, OMIM 616544.
Inborn genetic diseases. Identifiers: MedGen C0950123, MeSH D030342.

Allele frequency attached by ClinVar (database versions not stated): ExAC 0.00006; TOPMed below 0.00001; gnomAD 0.00001.
gnomAD v4.1: 33 of 1,612,786 alleles (0.002%); highest among the groups gnomAD compares: East Asian, 0.071%; no homozygotes.

Submissions (3):

Labcorp Genetics (formerly Invitae), Labcorp
Classification: Uncertain significance for Retinitis pigmentosa 73; Mucopolysaccharidosis, MPS-III-C. Last evaluated: 2025-06-24. Review status: criteria provided, single submitter. Criteria: Invitae Variant Classification Sherloc (09022015). Collection method: clinical testing. Allele origin: germline.
Comment: This sequence change replaces alanine, which is neutral and non-polar, with threonine, which is neutral and polar, at codon 438 of the HGSNAT protein (p.Ala438Thr). This variant is present in population databases (rs201901263, gnomAD 0.09%). This variant has not been reported in the literature in individuals affected with HGSNAT-related conditions. ClinVar contains an entry for this variant (Variation ID: 2154589). Invitae Evidence Modeling of protein sequence and biophysical properties (such as structural, functional, and spatial information, amino acid conservation, physicochemical variation, residue mobility, and thermodynamic stability) has been performed for this missense variant. However, the output from this modeling did not meet the statistical confidence thresholds required to predict the impact of this variant on HGSNAT protein function. In summary, the available evidence is currently insufficient to determine the role of this variant in disease. Therefore, it has been classified as a Variant of Uncertain Significance.

Dept Of Ophthalmology, Nagoya University
Classification: Uncertain significance for Retinal dystrophy. Last evaluated: 2023-10-01. Review status: criteria provided, single submitter. Criteria: Submitter's publication. Collection method: research. Allele origin: germline. Affected: yes.

Ambry Genetics
Classification: Uncertain significance for Inborn genetic diseases. Last evaluated: 2021-09-27. Review status: criteria provided, single submitter. Criteria: Ambry Variant Classification Scheme 2023. Collection method: clinical testing. Allele origin: germline.